The following is an entry in ClinVar:

ClinVar aggregate classification (germline): Uncertain significance (1 of 4 stars; one submission).

Conditions:
Inborn genetic diseases. Identifiers: MedGen C0950123, MeSH D030342.

Submission:

Ambry Genetics
Classification: Uncertain significance for Inborn genetic diseases. Last evaluated: 2026-02-23. Review status: criteria provided, single submitter. Criteria: Ambry Variant Classification Scheme 2023. Collection method: clinical testing. Allele origin: germline.
Comment: The p.V409L variant (also known as c.1225G>T), located in coding exon 7 of the ERCC6L2 gene, results from a G to T substitution at nucleotide position 1225. The valine at codon 409 is replaced by leucine, an amino acid with highly similar properties. This amino acid position is conserved. In addition, this alteration is predicted to be tolerated by in silico analysis. Based on the available evidence, the clinical significance of this variant remains unclear.

NM_020207.7(ERCC6L2):c.1225G>T (p.Val409Leu)

Gene: ERCC6L2 (ERCC excision repair 6 like 2; plus strand). Cytogenetic location: 9q22.32.
Variant type: single nucleotide variant.
Coding change: c.1225G>T on transcript NM_020207.7 (MANE Select); coding-DNA position 1225, G replaced by T.
Protein change: p.Val409Leu; replaces valine 409 with leucine.
Molecular consequence: missense variant. On other transcripts: non-coding transcript variant (1).
Genome position (GRCh38, 1-based): chr9:95,921,241, G>T. VCF-style: chr9-95921241-G-T. GRCh37 (hg19) VCF-style: chr9-98683523-G-T.
Other names: c.1225G>T, p.Val409Leu (NM_001010895.4, NM_001375291.1, NM_001375292.1 and 2 more transcripts); short protein forms V409L.
Identifiers: ClinVar variation 4827678 (VCV004827678.1).